The following is an entry in ClinVar:

ClinVar aggregate classification (germline): Uncertain significance. Review status: criteria provided, multiple submitters, no conflicts (2 of 4 stars). 2 submissions from 2 submitters: Uncertain significance (2). Last evaluated 2023-07-19.

Submissions (2):

Blueprint Genetics
Classification: Uncertain significance. Last evaluated: 2023-07-19. Review status: criteria provided, single submitter. Criteria: ACMG Guidelines, 2015. Collection method: clinical testing. Allele origin: germline.

Labcorp Genetics (formerly Invitae), Labcorp
Classification: Uncertain significance. Last evaluated: 2022-08-23. Review status: criteria provided, single submitter. Criteria: Invitae Variant Classification Sherloc (09022015). Collection method: clinical testing. Allele origin: germline.
Comment: This sequence change replaces threonine, which is neutral and polar, with alanine, which is neutral and non-polar, at codon 68 of the FGF23 protein (p.Thr68Ala). In summary, the available evidence is currently insufficient to determine the role of this variant in disease. Therefore, it has been classified as a Variant of Uncertain Significance. Algorithms developed to predict the effect of missense changes on protein structure and function (SIFT, PolyPhen-2, Align-GVGD) all suggest that this variant is likely to be disruptive. This missense change has been observed in individual(s) with hyperphosphatemic tumoral calcinosis (Invitae). This variant is not present in population databases (gnomAD no frequency).

NM_020638.3(FGF23):c.202A>G (p.Thr68Ala)

Gene: FGF23 (fibroblast growth factor 23; minus strand). Cytogenetic location: 12p13.32.
Variant type: single nucleotide variant.
Coding change: c.202A>G on transcript NM_020638.3 (MANE Select); coding-DNA position 202, A replaced by G.
Protein change: p.Thr68Ala; replaces threonine 68 with alanine.
Molecular consequence: missense variant.
Genome position (GRCh38, 1-based): chr12:4,379,381, T>C on the plus strand (A>G on the coding strand, the complement: FGF23 is on the minus strand). VCF-style: chr12-4379381-T-C. GRCh37 (hg19) VCF-style: chr12-4488547-T-C.
Other names: short protein forms T68A.
Identifiers: ClinVar variation 2056925 (VCV002056925.5), dbSNP rs2497245091, ClinGen allele CA383417886.